The following is an entry in ClinVar:

NM_058216.3(RAD51C):c.889C>T (p.Leu297Phe)

Gene: RAD51C (RAD51 paralog C; plus strand). Cytogenetic location: 17q22.
Variant type: single nucleotide variant.
Coding change: c.889C>T on transcript NM_058216.3 (MANE Select); coding-DNA position 889, C replaced by T.
Protein change: p.Leu297Phe; replaces leucine 297 with phenylalanine.
Molecular consequence: missense variant. On other transcripts: non-coding transcript variant (1).
Genome position (GRCh38, 1-based): chr17:58,720,797, C>T. VCF-style: chr17-58720797-C-T. GRCh37 (hg19) VCF-style: chr17-56798158-C-T.
Other names: short protein forms L297F.
Identifiers: ClinVar variation 3429725 (VCV003429725.3).

ClinVar aggregate classification (germline): Conflicting classifications of pathogenicity. Review status: criteria provided, conflicting classifications (1 of 4 stars). 2 submissions from 2 submitters: Uncertain significance (1); Benign (1). Last evaluated 2025-10-08.

Conditions:
Hereditary cancer-predisposing syndrome. Also called: Hereditary Cancer Syndrome; Hereditary neoplastic syndrome; Neoplastic Syndromes, Hereditary; Tumor predisposition. Identifiers: Orphanet 140162, MedGen C0027672, MeSH D009386, MONDO:0015356.
Fanconi anemia complementation group O. Also called: RAD51C-Related Fanconi Anemia. Identifiers: Orphanet 84, MedGen C3150653, MONDO:0013248, OMIM 613390.

Submissions (2):

Ambry Genetics
Classification: Benign for Hereditary cancer-predisposing syndrome. Last evaluated: 2025-10-08. Review status: criteria provided, single submitter. Criteria: Ambry Variant Classification Scheme 2023. Collection method: clinical testing. Allele origin: germline.

Labcorp Genetics (formerly Invitae), Labcorp
Classification: Uncertain significance for Fanconi anemia complementation group O. Last evaluated: 2025-07-01. Review status: criteria provided, single submitter. Criteria: Invitae Variant Classification Sherloc (09022015). Collection method: clinical testing. Allele origin: germline.
Comment: This sequence change replaces leucine, which is neutral and non-polar, with phenylalanine, which is neutral and non-polar, at codon 297 of the RAD51C protein (p.Leu297Phe). This variant is not present in population databases (gnomAD no frequency). This variant has not been reported in the literature in individuals affected with RAD51C-related conditions. ClinVar contains an entry for this variant (Variation ID: 3429725). Invitae Evidence Modeling of protein sequence and biophysical properties (such as structural, functional, and spatial information, amino acid conservation, physicochemical variation, residue mobility, and thermodynamic stability) has been performed for this missense variant. However, the output from this modeling did not meet the statistical confidence thresholds required to predict the impact of this variant on RAD51C protein function. In summary, the available evidence is currently insufficient to determine the role of this variant in disease. Therefore, it has been classified as a Variant of Uncertain Significance.